The following is an entry in ClinVar:

NM_014321.4(ORC6):c.731C>G (p.Ala244Gly)

Gene: ORC6 (origin recognition complex subunit 6; plus strand). Cytogenetic location: 16q11.2.
Variant type: single nucleotide variant.
Coding change: c.731C>G on transcript NM_014321.4 (MANE Select); coding-DNA position 731, C replaced by G.
Protein change: p.Ala244Gly; replaces alanine 244 with glycine.
Molecular consequence: missense variant. On other transcripts: non-coding transcript variant (1).
Genome position (GRCh38, 1-based): chr16:46,697,557, C>G. VCF-style: chr16-46697557-C-G. GRCh37 (hg19) VCF-style: chr16-46731469-C-G.
Other names: short protein forms A244G.
Identifiers: ClinVar variation 1427865 (VCV001427865.8), dbSNP rs374237950, ClinGen allele CA395784170.

ClinVar aggregate classification (germline): Uncertain significance (1 of 4 stars; one submission).

Submission:

Labcorp Genetics (formerly Invitae), Labcorp
Classification: Uncertain significance. Last evaluated: 2020-12-04. Review status: criteria provided, single submitter. Criteria: Invitae Variant Classification Sherloc (09022015). Collection method: clinical testing. Allele origin: germline.
Comment: In summary, the available evidence is currently insufficient to determine the role of this variant in disease. Therefore, it has been classified as a Variant of Uncertain Significance. Algorithms developed to predict the effect of missense changes on protein structure and function (SIFT, PolyPhen-2, Align-GVGD) all suggest that this variant is likely to be tolerated, but these predictions have not been confirmed by published functional studies and their clinical significance is uncertain. This variant has not been reported in the literature in individuals with ORC6-related conditions. This variant is not present in population databases (ExAC no frequency). This sequence change replaces alanine with glycine at codon 244 of the ORC6 protein (p.Ala244Gly). The alanine residue is highly conserved and there is a small physicochemical difference between alanine and glycine.